The following is an entry in ClinVar:

ClinVar aggregate classification (germline): Benign/Likely benign. Review status: criteria provided, multiple submitters, no conflicts (2 of 4 stars). 2 submissions from 2 submitters: Benign (1); Likely benign (1). Last evaluated 2026-06-01.

Conditions:
Methylmalonic acidemia with homocystinuria, type cblX (MAHCX). Also called: INTELLECTUAL DEVELOPMENTAL DISORDER, X-LINKED 3. Identifiers: Orphanet 369962, MedGen C0796208, MONDO:0010657, OMIM 309541.

Allele frequency attached by ClinVar (database versions not stated): gnomAD 0.00004; TOPMed 0.00005; gnomAD exomes 0.00009; 1000 Genomes Project 30x 0.00021; 1000 Genomes Project 0.00026; ExAC 0.00032.
gnomAD v4.1: 111 of 1,210,778 alleles (0.0092%); highest among the groups gnomAD compares: South Asian, 0.16%; no homozygotes.

Submissions (2):

CeGaT Center for Human Genetics Tuebingen
Classification: Likely benign. Last evaluated: 2026-06-01. Review status: criteria provided, single submitter. Criteria: CeGaT Center For Human Genetics Tuebingen Variant Classification Criteria Version 2. Collection method: clinical testing. Allele origin: germline. Affected: yes. Observed: 1 variant allele.
Comment: HCFC1: BP4, BP7, BS2

Labcorp Genetics (formerly Invitae), Labcorp
Classification: Benign for Methylmalonic acidemia with homocystinuria, type cblX. Last evaluated: 2025-12-14. Review status: criteria provided, single submitter. Criteria: Invitae Variant Classification Sherloc (09022015). Collection method: clinical testing. Allele origin: germline.

NM_005334.3(HCFC1):c.1869C>T (p.Ser623=)

Gene: HCFC1 (host cell factor C1; minus strand). Cytogenetic location: Xq28.
Variant type: single nucleotide variant.
Coding change: c.1869C>T on transcript NM_005334.3 (MANE Select); coding-DNA position 1869, C replaced by T.
Protein change: p.Ser623=; no amino-acid change (serine 623 retained).
Molecular consequence: synonymous variant.
Genome position (GRCh38, 1-based): chrX:153,958,184, G>A on the plus strand (C>T on the coding strand, the complement: HCFC1 is on the minus strand). VCF-style: chrX-153958184-G-A. GRCh37 (hg19) VCF-style: chrX-153223635-G-A.
Other names: c.1869C>T, p.Ser623= (NM_001410705.1).
Identifiers: ClinVar variation 2723633 (VCV002723633.5), dbSNP rs782463580, ClinGen allele CA10557432.